The following is an entry in ClinVar:

ClinVar aggregate classification (germline): other (0 of 4 stars; one submission).

Conditions:
Familial colorectal cancer. Identifiers: MedGen CN280943, MONDO:0023113. Disease mechanism: loss of function.

Allele frequency attached by ClinVar (database versions not stated): gnomAD 0.45615 and 0.46968; TOPMed 0.47210; 1000 Genomes Project 30x 0.49110; 1000 Genomes Project 0.49700.
gnomAD v4.1: 71,367 of 151,484 alleles (47%); highest among the groups gnomAD compares: East Asian, 67%; 19,650 homozygotes.

Submission:

Systems Biology Platform Zhejiang California International NanoSystems Institute
Classification: other for Familial colorectal cancer. Review status: no assertion criteria provided. Collection method: not provided. Allele origin: unknown.
ClinVar note: Converted during submission from cancer to other.

NM_000038.6(APC):c.1409-392A>G

Gene: APC (APC regulator of WNT signaling pathway; plus strand). Cytogenetic location: 5q22.2.
Variant type: single nucleotide variant.
Coding change: c.1409-392A>G on transcript NM_000038.6 (MANE Select); 392 bases into the intron before coding-DNA position 1409, A replaced by G.
Molecular consequence: intron variant.
Genome position (GRCh38, 1-based): chr5:112,826,716, A>G. VCF-style: chr5-112826716-A-G. GRCh37 (hg19) VCF-style: chr5-112162413-A-G.
Other names: c.1409-392A>G (NM_001354895.2, NM_001127510.3); c.1439-392A>G (NM_001354897.2); c.1136-392A>G (NM_001354902.2); c.1355-392A>G (NM_001127511.3); c.1334-392A>G (NM_001354898.2); c.1031-392A>G (NM_001354904.2); c.560-392A>G (NM_001354906.2); c.1463-392A>G (NM_001354896.2); and 5 more.
Identifiers: ClinVar variation 83157 (VCV000083157.2), dbSNP rs2546110, ClinGen allele CA005075.